The following is an entry in ClinVar:

NM_004438.5(EPHA4):c.1526A>G (p.Tyr509Cys)

Gene: EPHA4 (EPH receptor A4; minus strand). Cytogenetic location: 2q36.1.
Variant type: single nucleotide variant.
Coding change: c.1526A>G on transcript NM_004438.5 (MANE Select); coding-DNA position 1526, A replaced by G.
Protein change: p.Tyr509Cys; replaces tyrosine 509 with cysteine.
Molecular consequence: missense variant.
Genome position (GRCh38, 1-based): chr2:221,456,690, T>C on the plus strand (A>G on the coding strand, the complement: EPHA4 is on the minus strand). VCF-style: chr2-221456690-T-C. GRCh37 (hg19) VCF-style: chr2-222321410-T-C.
Other names: c.1526A>G, p.Tyr509Cys (NM_001304536.2, NM_001363748.2); c.1373A>G, p.Tyr458Cys (NM_001304537.2); short protein forms Y458C, Y509C.
Identifiers: ClinVar variation 1352906 (VCV001352906.6), dbSNP rs2106117855, ClinGen allele CA350405459.
Genomic context (GRCh38, chr2:221,456,690, plus strand): 5'-TCCAAGGGCTCACTGAAGTCTCCATAGCCAGCTGCTGTCCTGGCTCGCACGTGGAAAACA[T>C]AGGAAGTGAGAGGGTTCAGGCCTTTGATATCTGTGTTCCTGGCAGCTGTCCGAACTATAC-3'
Protein context (NP_004429.1, residues 499-519): DIKGLNPLTS[Tyr509Cys]VFHVRARTAA

ClinVar aggregate classification (germline): Uncertain significance (1 of 4 stars; one submission).

Submission:

Labcorp Genetics (formerly Invitae), Labcorp
Classification: Uncertain significance. Last evaluated: 2021-10-07. Review status: criteria provided, single submitter. Criteria: Invitae Variant Classification Sherloc (09022015). Collection method: clinical testing. Allele origin: germline.
Comment: In summary, the available evidence is currently insufficient to determine the role of this variant in disease. Therefore, it has been classified as a Variant of Uncertain Significance. Algorithms developed to predict the effect of missense changes on protein structure and function (SIFT, PolyPhen-2, Align-GVGD) all suggest that this variant is likely to be disruptive, but these predictions have not been confirmed by published functional studies and their clinical significance is uncertain. This variant has not been reported in the literature in individuals with EPHA4-related conditions. This variant is not present in population databases (ExAC no frequency). This sequence change replaces tyrosine with cysteine at codon 509 of the EPHA4 protein (p.Tyr509Cys). The tyrosine residue is highly conserved and there is a large physicochemical difference between tyrosine and cysteine.